The following is an entry in ClinVar:

ClinVar aggregate classification (germline): Uncertain significance (1 of 4 stars; one submission).

Conditions:
GNAS-related disorder. Identifiers: MedGen CN380105.

Submission:

PreventionGenetics, part of Exact Sciences
Classification: Uncertain significance for GNAS-related condition. Last evaluated: 2026-02-02. Review status: criteria provided, single submitter. Criteria: ACMG Guidelines, 2015. Collection method: clinical testing. Allele origin: germline.
Comment: The GNAS c.362C>A variant is predicted to result in the amino acid substitution p.Pro121His. To our knowledge, this variant has not been reported in the literature or in a large population database (gnomAD), indicating this variant is rare. At this time, the clinical significance of this variant is uncertain due to the absence of conclusive functional and genetic evidence.

NM_080425.4(GNAS):c.362C>A (p.Pro121His)

Gene: GNAS (GNAS complex locus; plus strand). Cytogenetic location: 20q13.32.
Variant type: single nucleotide variant.
Coding change: c.362C>A on transcript NM_080425.4 (MANE Plus Clinical); coding-DNA position 362, C replaced by A.
Protein change: p.Pro121His; replaces proline 121 with histidine.
Molecular consequence: missense variant. On other transcripts: intron variant (3).
Genome position (GRCh38, 1-based): chr20:58,853,627, C>A. VCF-style: chr20-58853627-C-A. GRCh37 (hg19) VCF-style: chr20-57428682-C-A.
Other names: c.175C>A, p.Leu59Met (NM_001077490.3, NM_001309883.1); c.362C>A, p.Pro121His (NM_001410913.1); c.*42+12741C>A (NM_016592.5); c.43+12741C>A (NM_001410912.1); c.-39+11752C>A (NM_001309861.2); short protein forms L59M, P121H.
Identifiers: ClinVar variation 4995782 (VCV004995782.1).